The following is an entry in ClinVar:

ClinVar aggregate classification (germline): Uncertain significance (1 of 4 stars; one submission).

Allele frequency attached by ClinVar (database versions not stated): ExAC 0.00002; gnomAD exomes 0.00002; gnomAD 0.00003 and 0.00004; TOPMed 0.00005; ESP Exome Variant Server 0.00008.
gnomAD v4.1: 37 of 1,613,008 alleles (0.0023%); highest among the groups gnomAD compares: Admixed American, 0.005%; no homozygotes.

Submission:

Labcorp Genetics (formerly Invitae), Labcorp
Classification: Uncertain significance. Last evaluated: 2025-10-02. Review status: criteria provided, single submitter. Criteria: Invitae Variant Classification Sherloc (09022015). Collection method: clinical testing. Allele origin: germline.
Comment: This sequence change replaces serine, which is neutral and polar, with glycine, which is neutral and non-polar, at codon 1107 of the SPEG protein (p.Ser1107Gly). This variant is present in population databases (rs368200977, gnomAD 0.005%). This variant has not been reported in the literature in individuals affected with SPEG-related conditions. ClinVar contains an entry for this variant (Variation ID: 1438774). An algorithm developed to predict the effect of missense changes on protein structure and function outputs the following: PolyPhen-2: "Benign". The glycine amino acid residue is found in multiple mammalian species, which suggests that this missense change does not adversely affect protein function. In summary, the available evidence is currently insufficient to determine the role of this variant in disease. Therefore, it has been classified as a Variant of Uncertain Significance.

NM_005876.5(SPEG):c.3319A>G (p.Ser1107Gly)

Gene: SPEG (striated muscle enriched protein kinase; plus strand). Cytogenetic location: 2q35.
Variant type: single nucleotide variant.
Coding change: c.3319A>G on transcript NM_005876.5 (MANE Select); coding-DNA position 3319, A replaced by G.
Protein change: p.Ser1107Gly; replaces serine 1107 with glycine.
Molecular consequence: missense variant.
Genome position (GRCh38, 1-based): chr2:219,468,876, A>G. VCF-style: chr2-219468876-A-G. GRCh37 (hg19) VCF-style: chr2-220333598-A-G.
Other names: short protein forms S1107G.
Identifiers: ClinVar variation 1438774 (VCV001438774.4), dbSNP rs368200977, ClinGen allele CA2126142.